The following is an entry in ClinVar:

ClinVar aggregate classification (germline): Conflicting classifications of pathogenicity. Review status: criteria provided, conflicting classifications (1 of 4 stars). 2 submissions from 2 submitters: Uncertain significance (1); Likely benign (1). Last evaluated 2025-07-27.

Conditions:
Developmental and epileptic encephalopathy 94 (DEE94). Also called: Epileptic encephalopathy, childhood-onset; CHD2-Related Neurodevelopmental Disorders. Identifiers: Orphanet 1942, Orphanet 2382, MedGen C3809278, MONDO:0014150, OMIM 615369.
Autism spectrum disorder. Also called: Autism spectrum disorders. Identifiers: MedGen C1510586, MeSH D000067877, MONDO:0005258.

Allele frequency attached by ClinVar (database versions not stated): gnomAD exomes below 0.00001; gnomAD 0.00001; TOPMed 0.00001.
gnomAD v4.1: 3 of 1,613,974 alleles (0.00019%); highest among the groups gnomAD compares: Admixed American, 0.0017%; no homozygotes.

Submissions (2):

Labcorp Genetics (formerly Invitae), Labcorp
Classification: Uncertain significance for Developmental and epileptic encephalopathy 94. Last evaluated: 2025-07-27. Review status: criteria provided, single submitter. Criteria: Invitae Variant Classification Sherloc (09022015). Collection method: clinical testing. Allele origin: germline.
Comment: This sequence change replaces histidine, which is basic and polar, with tyrosine, which is neutral and polar, at codon 1712 of the CHD2 protein (p.His1712Tyr). This variant is not present in population databases (gnomAD no frequency). This variant has not been reported in the literature in individuals affected with CHD2-related conditions. ClinVar contains an entry for this variant (Variation ID: 1434099). Invitae Evidence Modeling of protein sequence and biophysical properties (such as structural, functional, and spatial information, amino acid conservation, physicochemical variation, residue mobility, and thermodynamic stability) indicates that this missense variant is not expected to disrupt CHD2 protein function with a negative predictive value of 95%. In summary, the available evidence is currently insufficient to determine the role of this variant in disease. Therefore, it has been classified as a Variant of Uncertain Significance.

Department of Genetics, Rouen University Hospital, Normandy Center for Genomic and Personalized Medicine
Classification: Likely benign for Autism spectrum disorder. Last evaluated: 2022-07-28. Review status: criteria provided, single submitter. Criteria: ACMG Guidelines, 2015. Collection method: clinical testing. Allele origin: maternal. Affected: yes.

NM_001271.4(CHD2):c.5134C>T (p.His1712Tyr)

Gene: CHD2 (chromodomain helicase DNA binding protein 2; plus strand). Cytogenetic location: 15q26.1.
Variant type: single nucleotide variant.
Coding change: c.5134C>T on transcript NM_001271.4 (MANE Select); coding-DNA position 5134, C replaced by T.
Protein change: p.His1712Tyr; replaces histidine 1712 with tyrosine.
Molecular consequence: missense variant.
Genome position (GRCh38, 1-based): chr15:93,020,239, C>T. VCF-style: chr15-93020239-C-T. GRCh37 (hg19) VCF-style: chr15-93563469-C-T.
Other names: c.5134C>T (NM_001271.3); short protein forms H1712Y.
Identifiers: ClinVar variation 1434099 (VCV001434099.9), dbSNP rs1006465697, ClinGen allele CA274888460.